The following is an entry in ClinVar:

NM_212482.4(FN1):c.2428+6T>C

Gene: FN1 (fibronectin 1; minus strand). Cytogenetic location: 2q35.
Variant type: single nucleotide variant.
Coding change: c.2428+6T>C on transcript NM_212482.4 (MANE Select); 6 bases into the intron after coding-DNA position 2428, T replaced by C.
Molecular consequence: intron variant.
Genome position (GRCh38, 1-based): chr2:215,408,292, A>G on the plus strand (T>C on the coding strand, the complement: FN1 is on the minus strand). VCF-style: chr2-215408292-A-G. GRCh37 (hg19) VCF-style: chr2-216273015-A-G.
Other names: c.2428+6T>C (NM_212474.3, NM_001306132.2, NM_001365523.2 and 13 more transcripts).
Identifiers: ClinVar variation 2081479 (VCV002081479.4), dbSNP rs750798739, ClinGen allele CA2094996.

ClinVar aggregate classification (germline): Uncertain significance (1 of 4 stars; one submission).

Allele frequency attached by ClinVar (database versions not stated): gnomAD 0.00001; gnomAD exomes 0.00001; TOPMed 0.00001; ExAC 0.00004.
gnomAD v4.1: 17 of 1,614,072 alleles (0.0011%); highest among the groups gnomAD compares: East Asian, 0.031%; no homozygotes.

Submission:

Labcorp Genetics (formerly Invitae), Labcorp
Classification: Uncertain significance. Last evaluated: 2022-06-18. Review status: criteria provided, single submitter. Criteria: Invitae Variant Classification Sherloc (09022015). Collection method: clinical testing. Allele origin: germline.
Comment: In summary, the available evidence is currently insufficient to determine the role of this variant in disease. Therefore, it has been classified as a Variant of Uncertain Significance. Variants that disrupt the consensus splice site are a relatively common cause of aberrant splicing (PMID: 17576681, 9536098). Algorithms developed to predict the effect of sequence changes on RNA splicing suggest that this variant is not likely to affect RNA splicing. This variant has not been reported in the literature in individuals affected with FN1-related conditions. This variant is present in population databases (rs750798739, gnomAD 0.05%). This sequence change falls in intron 16 of the FN1 gene. It does not directly change the encoded amino acid sequence of the FN1 protein. It affects a nucleotide within the consensus splice site.

Literature cited by the submitters: PubMed 17576681; PubMed 9536098.